The following is an entry in ClinVar:

NM_014053.4(FLVCR1):c.28del (p.Ala10fs)

Gene: FLVCR1 (FLVCR choline and heme transporter 1; plus strand). Cytogenetic location: 1q32.3.
Variant type: Deletion.
Coding change: c.28del on transcript NM_014053.4 (MANE Select); coding-DNA position 28, one base deleted (G; older notation c.28delG).
Protein change: p.Ala10fs; shifts the reading frame from alanine 10.
Molecular consequence: frameshift variant.
Genome position (GRCh38, 1-based): chr1:212,858,480, G deleted; the last of 5 consecutive G bases (chr1:212,858,476-212,858,480); deleting any one gives the same sequence. VCF-style (leftmost placement, unchanged base first): chr1-212858475-AG-A. GRCh37 (hg19) VCF-style: chr1-213031817-AG-A.
Other names: c.28delG (NM_014053.3); short protein forms A10fs.
Identifiers: ClinVar variation 1377362 (VCV001377362.7), dbSNP rs992883082, ClinGen allele CA36896357.

ClinVar aggregate classification (germline): Pathogenic/Likely pathogenic. Review status: criteria provided, multiple submitters, no conflicts (2 of 4 stars). 2 submissions from 2 submitters: Pathogenic (1); Likely pathogenic (1). Last evaluated 2026-07-13.

Conditions:
FLVCR1-related disorder. Also called: FLVCR1-related condition.

Submissions (2):

PreventionGenetics, part of Exact Sciences
Classification: Likely pathogenic for FLVCR1-related condition. Last evaluated: 2026-07-13. Review status: criteria provided, single submitter. Criteria: ACMG Guidelines, 2015. Collection method: clinical testing. Allele origin: germline.
Comment: The FLVCR1 c.28delG variant is predicted to result in a frameshift and premature protein termination (p.Ala10Argfs*40). To our knowledge, this variant has not been reported in the literature. This variant is absent in a large population database (gnomAD), indicating this variant is rare. Frameshift variants in FLVCR1 are an established mechanism of disease. This variant is interpreted as likely pathogenic.

Labcorp Genetics (formerly Invitae), Labcorp
Classification: Pathogenic. Last evaluated: 2022-10-25. Review status: criteria provided, single submitter. Criteria: Invitae Variant Classification Sherloc (09022015). Collection method: clinical testing. Allele origin: germline.
Comment: This sequence change creates a premature translational stop signal (p.Ala10Argfs*40) in the FLVCR1 gene. It is expected to result in an absent or disrupted protein product. Loss-of-function variants in FLVCR1 are known to be pathogenic (PMID: 23591405, 27923065). This variant is not present in population databases (gnomAD no frequency). For these reasons, this variant has been classified as Pathogenic. ClinVar contains an entry for this variant (Variation ID: 1377362). This variant has not been reported in the literature in individuals affected with FLVCR1-related conditions.

Literature cited by the submitters: PubMed 23591405 (cited by Labcorp Genetics (formerly Invitae), Labcorp); PubMed 27923065 (cited by Labcorp Genetics (formerly Invitae), Labcorp).